The following is an entry in ClinVar:

ClinVar aggregate classification (germline): Uncertain significance (1 of 4 stars; one submission).

Conditions:
Peroxisome biogenesis disorder. Identifiers: Orphanet 79189, MedGen C1832200, MONDO:0019234. Disease mechanism: loss of function.

Allele frequency attached by ClinVar (database versions not stated): TOPMed below 0.00001; gnomAD 0.00001.

Submission:

Labcorp Genetics (formerly Invitae), Labcorp
Classification: Uncertain significance for Peroxisome biogenesis disorder. Last evaluated: 2022-08-09. Review status: criteria provided, single submitter. Criteria: Invitae Variant Classification Sherloc (09022015). Collection method: clinical testing. Allele origin: germline.
Comment: This sequence change replaces phenylalanine, which is neutral and non-polar, with serine, which is neutral and polar, at codon 382 of the PEX6 protein (p.Phe382Ser). This variant is not present in population databases (gnomAD no frequency). This variant has not been reported in the literature in individuals affected with PEX6-related conditions. ClinVar contains an entry for this variant (Variation ID: 1407523). Algorithms developed to predict the effect of missense changes on protein structure and function (SIFT, PolyPhen-2, Align-GVGD) all suggest that this variant is likely to be disruptive. In summary, the available evidence is currently insufficient to determine the role of this variant in disease. Therefore, it has been classified as a Variant of Uncertain Significance.

NM_000287.4(PEX6):c.1145T>C (p.Phe382Ser)

Gene: PEX6 (peroxisomal biogenesis factor 6; minus strand). Cytogenetic location: 6p21.1.
Variant type: single nucleotide variant.
Coding change: c.1145T>C on transcript NM_000287.4 (MANE Select); coding-DNA position 1145, T replaced by C.
Protein change: p.Phe382Ser; replaces phenylalanine 382 with serine.
Molecular consequence: missense variant. On other transcripts: non-coding transcript variant (1).
Genome position (GRCh38, 1-based): chr6:42,969,973, A>G on the plus strand (T>C on the coding strand, the complement: PEX6 is on the minus strand). VCF-style: chr6-42969973-A-G. GRCh37 (hg19) VCF-style: chr6-42937711-A-G.
Other names: c.881T>C, p.Phe294Ser (NM_001316313.2); short protein forms F294S, F382S.
Identifiers: ClinVar variation 1407523 (VCV001407523.6), dbSNP rs762401493, ClinGen allele CA364156272.